The following is an entry in ClinVar:

NM_032119.4(ADGRV1):c.8014dup (p.Ile2672fs)

Gene: ADGRV1 (adhesion G protein-coupled receptor V1; plus strand). Cytogenetic location: 5q14.3.
Variant type: Duplication.
Coding change: c.8014dup on transcript NM_032119.4 (MANE Select); coding-DNA position 8014, one base duplicated (A; older notation c.8014dupA).
Protein change: p.Ile2672fs; shifts the reading frame from isoleucine 2672.
Molecular consequence: frameshift variant. On other transcripts: non-coding transcript variant (1).
Genome position (GRCh38, 1-based): chr5:90,697,005, A duplicated. VCF-style (leftmost placement, unchanged base first): chr5-90697004-C-CA. GRCh37 (hg19) VCF-style: chr5-89992821-C-CA.
Other names: short protein forms I2672fs.
Identifiers: ClinVar variation 2704896 (VCV002704896.3), dbSNP rs2530983801, ClinGen allele CA2697546305.
Genomic context (GRCh38, chr5:90,697,004, plus strand): 5'-CAAAAAGACAGTCATTTTAACCATCTTGGATGACTCTGAACCAGAGGATGACGAAAGTAT[C>CA]ATAGTTAGTTTGGTGTACACTGAAGGTGGAAGTAGAATTTTGCCAAGCTCCGACACTGTT-3'

ClinVar aggregate classification (germline): Pathogenic (1 of 4 stars; one submission).

Submission:

Labcorp Genetics (formerly Invitae), Labcorp
Classification: Pathogenic. Last evaluated: 2023-12-22. Review status: criteria provided, single submitter. Criteria: Invitae Variant Classification Sherloc (09022015). Collection method: clinical testing. Allele origin: germline.
Comment: This sequence change creates a premature translational stop signal (p.Ile2672Asnfs*3) in the ADGRV1 gene. It is expected to result in an absent or disrupted protein product. Loss-of-function variants in ADGRV1 are known to be pathogenic (PMID: 19357117, 22135276, 22147658, 26226137, 30718709, 31047384, 32467589). This variant is not present in population databases (gnomAD no frequency). This variant has not been reported in the literature in individuals affected with ADGRV1-related conditions. For these reasons, this variant has been classified as Pathogenic.

Literature cited by the submitters: PubMed 19357117; PubMed 22135276; PubMed 22147658; PubMed 26226137; PubMed 30718709; PubMed 31047384; PubMed 32467589.